The following is an entry in ClinVar:

NM_000478.6(ALPL):c.225_228dup (p.Leu77fs)

Gene: ALPL (alkaline phosphatase, biomineralization associated; plus strand). Cytogenetic location: 1p36.12.
Variant type: Duplication.
Coding change: c.225_228dup on transcript NM_000478.6 (MANE Select); coding-DNA positions 225 to 228, 4 bases duplicated (TCAG; older notation c.225_228dupTCAG).
Protein change: p.Leu77fs; shifts the reading frame from leucine 77.
Molecular consequence: frameshift variant. On other transcripts: intron variant (1).
Genome position (GRCh38, 1-based): chr1:21,561,140-21,561,143, TCAG duplicated; duplicating any 4 consecutive bases within chr1:21,561,139-21,561,143 gives the same sequence; the c. name uses the placement nearest the transcript's 3' end. VCF-style (leftmost placement, unchanged base first): chr1-21561138-G-GGTCA. GRCh37 (hg19) VCF-style: chr1-21887631-G-GGTCA.
Other names: c.60_63dup, p.Leu22fs (NM_001127501.4); c.225_228dup, p.Leu77fs (NM_001369803.2, NM_001369804.2, NM_001369805.2); c.66+395_66+398dup (NM_001177520.3); short protein forms L77fs, L22fs.
Identifiers: ClinVar variation 558600 (VCV000558600.7), dbSNP rs1553411920, ClinGen allele CA658820984.

ClinVar aggregate classification (germline): Pathogenic. Review status: criteria provided, single submitter (1 of 4 stars). 2 submissions from 2 submitters: Pathogenic (1). 1 of the submissions does not count toward it. Last evaluated 2022-08-06.

Conditions:
Infantile hypophosphatasia. Identifiers: Orphanet 247651, Orphanet 436, MedGen C0268412, MONDO:1010169, OMIM 241500, MONDO:0009427.

Submissions (2):

Labcorp Genetics (formerly Invitae), Labcorp
Classification: Pathogenic. Last evaluated: 2022-08-06. Review status: criteria provided, single submitter. Criteria: Invitae Variant Classification Sherloc (09022015). Collection method: clinical testing. Allele origin: germline.
Comment: For these reasons, this variant has been classified as Pathogenic. ClinVar contains an entry for this variant (Variation ID: 558600). This variant has not been reported in the literature in individuals affected with ALPL-related conditions. This variant is not present in population databases (gnomAD no frequency). This sequence change creates a premature translational stop signal (p.Leu77Serfs*34) in the ALPL gene. It is expected to result in an absent or disrupted protein product. Loss-of-function variants in ALPL are known to be pathogenic (PMID: 3174660, 10679946, 19500388).

Counsyl
Classification: Likely pathogenic for Infantile hypophosphatasia. Last evaluated: 2018-06-04. Review status: no assertion criteria provided. Collection method: clinical testing. Allele origin: unknown. Not counted in ClinVar's aggregate classification.

Literature cited by the submitters: PubMed 3174660 (cited by Labcorp Genetics (formerly Invitae), Labcorp); PubMed 10679946 (cited by Labcorp Genetics (formerly Invitae), Labcorp); PubMed 19500388 (cited by Labcorp Genetics (formerly Invitae), Labcorp).